The following is an entry in ClinVar:

ClinVar aggregate classification (germline): Uncertain significance. Review status: criteria provided, single submitter (1 of 4 stars). 2 submissions from 2 submitters: Uncertain significance (1). 1 of the submissions does not count toward it. Last evaluated 2021-10-26.

Conditions:
Inborn genetic diseases. Identifiers: MedGen C0950123, MeSH D030342.
RFX6-related disorder. Also called: RFX6-related condition.

Allele frequency attached by ClinVar (database versions not stated): gnomAD 0.00001; TOPMed 0.00004.
gnomAD v4.1: 18 of 1,613,446 alleles (0.0011%); highest among the groups gnomAD compares: Middle Eastern, 0.16%; 1 homozygote.

Submissions (2):

Ambry Genetics
Classification: Uncertain significance for Inborn genetic diseases. Last evaluated: 2021-10-26. Review status: criteria provided, single submitter. Criteria: Ambry Variant Classification Scheme 2023. Collection method: clinical testing. Allele origin: germline.

PreventionGenetics, part of Exact Sciences
Classification: Uncertain significance for RFX6-related condition. Last evaluated: 2024-06-21. Review status: no assertion criteria provided. Collection method: clinical testing. Allele origin: germline. Not counted in ClinVar's aggregate classification.
Comment: The RFX6 c.1287T>G variant is predicted to result in the amino acid substitution p.Ile429Met. To our knowledge, this variant has not been reported in the literature. This variant is reported in 0.0087% of alleles in individuals of Latino descent in gnomAD. At this time, the clinical significance of this variant is uncertain due to the absence of conclusive functional and genetic evidence.

NM_173560.4(RFX6):c.1287T>G (p.Ile429Met)

Gene: RFX6 (regulatory factor X6; plus strand). Cytogenetic location: 6q22.1.
Variant type: single nucleotide variant.
Coding change: c.1287T>G on transcript NM_173560.4 (MANE Select); coding-DNA position 1287, T replaced by G.
Protein change: p.Ile429Met; replaces isoleucine 429 with methionine.
Molecular consequence: missense variant.
Genome position (GRCh38, 1-based): chr6:116,920,414, T>G. VCF-style: chr6-116920414-T-G. GRCh37 (hg19) VCF-style: chr6-117241577-T-G.
Other names: short protein forms I429M.
Identifiers: ClinVar variation 2397637 (VCV002397637.3), dbSNP rs770671840, ClinGen allele CA3973258.